The following is an entry in ClinVar:

ClinVar aggregate classification (germline): Uncertain significance. Review status: criteria provided, multiple submitters, no conflicts (2 of 4 stars). 2 submissions from 2 submitters: Uncertain significance (2). Last evaluated 2024-12-13.

Conditions:
Inborn genetic diseases. Identifiers: MedGen C0950123, MeSH D030342.

Allele frequency attached by ClinVar (database versions not stated): gnomAD exomes 0.00002 and 0.00003; ExAC 0.00003; gnomAD 0.00003 and 0.00004; TOPMed 0.00003.

Submissions (2):

Ambry Genetics
Classification: Uncertain significance for Inborn genetic diseases. Last evaluated: 2024-12-13. Review status: criteria provided, single submitter. Criteria: Ambry Variant Classification Scheme 2023. Collection method: clinical testing. Allele origin: germline.

Labcorp Genetics (formerly Invitae), Labcorp
Classification: Uncertain significance. Last evaluated: 2022-11-08. Review status: criteria provided, single submitter. Criteria: Invitae Variant Classification Sherloc (09022015). Collection method: clinical testing. Allele origin: germline.
Comment: This sequence change replaces asparagine, which is neutral and polar, with serine, which is neutral and polar, at codon 141 of the CYP4V2 protein (p.Asn141Ser). This variant is present in population databases (rs752979612, gnomAD 0.02%). ClinVar contains an entry for this variant (Variation ID: 1044395). This variant has not been reported in the literature in individuals affected with CYP4V2-related conditions. In summary, the available evidence is currently insufficient to determine the role of this variant in disease. Therefore, it has been classified as a Variant of Uncertain Significance. Advanced modeling of protein sequence and biophysical properties (such as structural, functional, and spatial information, amino acid conservation, physicochemical variation, residue mobility, and thermodynamic stability) performed at Invitae indicates that this missense variant is not expected to disrupt CYP4V2 protein function.

NM_207352.4(CYP4V2):c.422A>G (p.Asn141Ser)

Gene: CYP4V2 (cytochrome P450 family 4 subfamily V member 2; plus strand). Cytogenetic location: 4q35.1.
Variant type: single nucleotide variant.
Coding change: c.422A>G on transcript NM_207352.4 (MANE Select); coding-DNA position 422, A replaced by G.
Protein change: p.Asn141Ser; replaces asparagine 141 with serine.
Molecular consequence: missense variant.
Genome position (GRCh38, 1-based): chr4:186,196,948, A>G. VCF-style: chr4-186196948-A-G. GRCh37 (hg19) VCF-style: chr4-187118102-A-G.
Other names: c.422A>G (NM_207352.3); short protein forms N141S.
Identifiers: ClinVar variation 1044395 (VCV001044395.8), dbSNP rs752979612, ClinGen allele CA3162556.